The following is an entry in ClinVar:

ClinVar aggregate classification (germline): Likely benign (0 of 4 stars; one submission).

Conditions:
LRP1B-related disorder. Also called: LRP1B-related condition.

Submission:

PreventionGenetics, part of Exact Sciences
Classification: Likely benign for LRP1B-related condition. Last evaluated: 2021-04-06. Review status: no assertion criteria provided. Collection method: clinical testing. Allele origin: germline.
Comment: This variant is classified as likely benign based on ACMG/AMP sequence variant interpretation guidelines (Richards et al. 2015 PMID: 25741868, with internal and published modifications).

NM_018557.3(LRP1B):c.4170-5_4170-3dup

Gene: LRP1B (LDL receptor related protein 1B; minus strand). Cytogenetic location: 2q22.1.
Variant type: Duplication.
Coding change: c.4170-5_4170-3dup on transcript NM_018557.3 (MANE Select); 5 bases into the intron before coding-DNA position 4170 through 3 bases into the intron before coding-DNA position 4170, 3 bases duplicated (TTT; older notation c.4170-5_4170-3dupTTT).
Molecular consequence: intron variant.
Genome position (GRCh38, 1-based): chr2:140,868,266-140,868,268, AAA duplicated on the plus strand (TTT on the coding strand, the reverse complement: LRP1B is on the minus strand); duplicating any 3 consecutive bases within chr2:140,868,266-140,868,284 gives the same sequence; the c. name uses the placement nearest the transcript's 3' end. VCF-style (leftmost placement, unchanged base first): chr2-140868265-T-TAAA. GRCh37 (hg19) VCF-style: chr2-141625834-T-TAAA.
Identifiers: ClinVar variation 3043410 (VCV003043410.2), dbSNP rs34488899, ClinGen allele CA428894730.
Genomic context (GRCh38, chr2:140,868,265, plus strand): 5'-TCATAGAGGCAGATTCAATGCGAGGAAAATTTGCATCCCAGTCTGTCCAGAAAAGAATTC[T>TAAA]AAAAAAAAAAAAAAAAAAAGAAATAATACTATTGTTTCAGTCATTCATTTCACAGATATT-3'